The following is an entry in ClinVar:

ClinVar aggregate classification (germline): Uncertain significance (1 of 4 stars; one submission).

Submission:

GeneDx
Classification: Uncertain significance. Last evaluated: 2025-04-08. Review status: criteria provided, single submitter. Criteria: GeneDx Variant Classification Process June 2021. Collection method: clinical testing. Allele origin: germline. Affected: yes.
Comment: Not observed at significant frequency in large population cohorts (gnomAD); In silico analysis indicates that this missense variant does not alter protein structure/function; Has not been previously published as pathogenic or benign to our knowledge

NM_015100.4(POGZ):c.2545G>A (p.Gly849Arg)

Gene: POGZ (pogo transposable element derived with ZNF domain; minus strand). Cytogenetic location: 1q21.3.
Variant type: single nucleotide variant.
Coding change: c.2545G>A on transcript NM_015100.4 (MANE Select); coding-DNA position 2545, G replaced by A.
Protein change: p.Gly849Arg; replaces glycine 849 with arginine.
Molecular consequence: missense variant.
Genome position (GRCh38, 1-based): chr1:151,406,911, C>T on the plus strand (G>A on the coding strand, the complement: POGZ is on the minus strand). VCF-style: chr1-151406911-C-T. GRCh37 (hg19) VCF-style: chr1-151379387-C-T.
Other names: c.2518G>A, p.Gly840Arg (NM_001194937.2); c.2359G>A, p.Gly787Arg (NM_001194938.2); c.2566G>A, p.Gly856Arg (NM_001410860.1); c.2260G>A, p.Gly754Arg (NM_145796.4); c.2386G>A, p.Gly796Arg (NM_207171.2); short protein forms G754R, G787R, G796R, G840R, G849R, G856R.
Identifiers: ClinVar variation 4281710 (VCV004281710.1).